The following is an entry in ClinVar:

NM_000257.4(MYH7):c.4251C>T (p.Thr1417=)

Gene: MYH7 (myosin heavy chain 7; minus strand). Cytogenetic location: 14q11.2.
Variant type: single nucleotide variant.
Coding change: c.4251C>T on transcript NM_000257.4 (MANE Select); coding-DNA position 4251, C replaced by T.
Protein change: p.Thr1417=; no amino-acid change (threonine 1417 retained).
Molecular consequence: synonymous variant.
Genome position (GRCh38, 1-based): chr14:23,417,605, G>A on the plus strand (C>T on the coding strand, the complement: MYH7 is on the minus strand). VCF-style: chr14-23417605-G-A. GRCh37 (hg19) VCF-style: chr14-23886814-G-A.
Identifiers: ClinVar variation 525110 (VCV000525110.10), dbSNP rs763934978, ClinGen allele CA485617843.
Genomic context (GRCh38, chr14:23,417,605, plus strand): 5'-AGCATTGGAGCGCTCTACGTCCACCATCAAGTCCTCGATCTCATTCTGTAGCCGGTGCTT[G>A]GTCTTCTCCAGCGAGGAGCACTTGGCATTAACAGCCTCCACGGCCTCCTCAGCTTCCTGC-3'
Protein context (NP_000248.2, residues 1407-1427): VNAKCSSLEK[Thr1417=]KHRLQNEIED

ClinVar aggregate classification (germline): Likely benign. Review status: criteria provided, multiple submitters, no conflicts (2 of 4 stars). 3 submissions from 3 submitters: Likely benign (3). Last evaluated 2024-11-13.

Conditions:
Hypertrophic cardiomyopathy. Also called: HYPERTROPHIC MYOCARDIOPATHY. Identifiers: Orphanet 217569, MedGen C0007194, MeSH D002312, MONDO:0005045, HP:0001639.
Cardiomyopathy (CMYO). Also called: Cardiomyopathies. Identifiers: Orphanet 167848, MedGen C0878544, MONDO:0004994, HP:0001638. Inheritance: Various modes of inheritance.

gnomAD v4.1: 1 of 1,612,828 alleles (0.000062%); highest among the groups gnomAD compares: Admixed American, 0.0017%; no homozygotes.

Submissions (3):

Labcorp Genetics (formerly Invitae), Labcorp
Classification: Likely benign for Hypertrophic cardiomyopathy. Last evaluated: 2024-11-13. Review status: criteria provided, single submitter. Criteria: Invitae Variant Classification Sherloc (09022015). Collection method: clinical testing. Allele origin: germline.

All of Us Research Program, National Institutes of Health
Classification: Likely benign for Cardiomyopathy. Last evaluated: 2024-06-09. Review status: criteria provided, single submitter. Criteria: ACMG Guidelines, 2015. Collection method: clinical testing. Allele origin: germline. Inheritance: Autosomal dominant inheritance. Observed: 2 variant alleles, 2 heterozygotes.
Comment: This study involves interpretation of variants in research participants for the purpose of population health screening. Participant phenotype was not available at the time of variant classification. Additional details can be found in publication PMID: 35346344, PMCID: PMC8962531

Color Diagnostics, LLC DBA Color Health
Classification: Likely benign for Cardiomyopathy. Last evaluated: 2024-05-21. Review status: criteria provided, single submitter. Criteria: ACMG Guidelines, 2015. Collection method: clinical testing. Allele origin: germline.